The following is an entry in ClinVar:

NM_001040108.2(MLH3):c.1697C>G (p.Pro566Arg)

Gene: MLH3 (mutL homolog 3; minus strand). Cytogenetic location: 14q24.3.
Variant type: single nucleotide variant.
Coding change: c.1697C>G on transcript NM_001040108.2 (MANE Select); coding-DNA position 1697, C replaced by G.
Protein change: p.Pro566Arg; replaces proline 566 with arginine.
Molecular consequence: missense variant.
Genome position (GRCh38, 1-based): chr14:75,047,959, G>C on the plus strand (C>G on the coding strand, the complement: MLH3 is on the minus strand). VCF-style: chr14-75047959-G-C. GRCh37 (hg19) VCF-style: chr14-75514662-G-C.
Other names: c.1697C>G, p.Pro566Arg (NM_014381.3); short protein forms P566R.
Identifiers: ClinVar variation 4108688 (VCV004108688.1).

ClinVar aggregate classification (germline): Uncertain significance (1 of 4 stars; one submission).

Submission:

Ambry Genetics
Classification: Uncertain significance. Last evaluated: 2025-09-10. Review status: criteria provided, single submitter. Criteria: Ambry Variant Classification Scheme 2023. Collection method: clinical testing. Allele origin: germline.
Comment: The p.P566R variant (also known as c.1697C>G), located in coding exon 1 of the MLH3 gene, results from a C to G substitution at nucleotide position 1697. The proline at codon 566 is replaced by arginine, an amino acid with dissimilar properties. This amino acid position is conserved. In addition, this alteration is predicted to be tolerated by in silico analysis. Based on the available evidence, the clinical significance of this variant remains unclear.